The following is an entry in ClinVar:

NC_000014.8:g.(?_23866732)_(23866842_?)del

Gene: MYH6 (myosin heavy chain 6; minus strand). Cytogenetic location: 14q11.2.
Variant type: Deletion.
Identifiers: ClinVar variation 3244006 (VCV003244006.1).

ClinVar aggregate classification (germline): Uncertain significance (1 of 4 stars; one submission).

Conditions:
Hypertrophic cardiomyopathy 14. Identifiers: MedGen C2750467, MONDO:0013197, OMIM 613251.

Submission:

Labcorp Genetics (formerly Invitae), Labcorp
Classification: Uncertain significance for Hypertrophic cardiomyopathy 14. Last evaluated: 2023-07-10. Review status: criteria provided, single submitter. Criteria: Invitae Variant Classification Sherloc (09022015). Collection method: clinical testing. Allele origin: unknown.
Comment: This variant is a gross deletion of the genomic region encompassing exon(s) 16 of the MYH6 gene. This deletion is out-of-frame, and is expected to create a premature translational stop signal and result in an absent or disrupted protein product. However, the current clinical and genetic evidence is not sufficient to establish whether loss-of-function variants in MYH6 cause disease. This variant has not been reported in the literature in individuals affected with MYH6-related conditions. Experimental studies and prediction algorithms are not available or were not evaluated, and the functional significance of this variant is currently unknown. In summary, the available evidence is currently insufficient to determine the role of this variant in disease. Therefore, it has been classified as a Variant of Uncertain Significance.